The following is an entry in ClinVar:

NM_000064.4(C3):c.1955A>C (p.Gln652Pro)

Gene: C3 (complement C3; minus strand). Cytogenetic location: 19p13.3.
Variant type: single nucleotide variant.
Coding change: c.1955A>C on transcript NM_000064.4 (MANE Select); coding-DNA position 1955, A replaced by C.
Protein change: p.Gln652Pro; replaces glutamine 652 with proline.
Molecular consequence: missense variant.
Genome position (GRCh38, 1-based): chr19:6,707,820, T>G on the plus strand (A>C on the coding strand, the complement: C3 is on the minus strand). VCF-style: chr19-6707820-T-G. GRCh37 (hg19) VCF-style: chr19-6707831-T-G.
Other names: p.Gln652Pro; short protein forms Q652P.
Identifiers: ClinVar variation 2200865 (VCV002200865.6), dbSNP rs748054406, ClinGen allele CA9129265.

ClinVar aggregate classification (germline): Uncertain significance. Review status: criteria provided, multiple submitters, no conflicts (2 of 4 stars). 3 submissions from 3 submitters: Uncertain significance (3). Last evaluated 2025-08-26.

Conditions:
Inborn genetic diseases. Identifiers: MedGen C0950123, MeSH D030342.

Allele frequency attached by ClinVar (database versions not stated): gnomAD exomes 0.00002; TOPMed 0.00003; gnomAD 0.00004; ExAC 0.00009.
gnomAD v4.1: 35 of 1,613,800 alleles (0.0022%); highest among the groups gnomAD compares: East Asian, 0.074%; no homozygotes.

Submissions (3):

Labcorp Genetics (formerly Invitae), Labcorp
Classification: Uncertain significance. Last evaluated: 2025-08-26. Review status: criteria provided, single submitter. Criteria: Invitae Variant Classification Sherloc (09022015). Collection method: clinical testing. Allele origin: germline.
Comment: This sequence change replaces glutamine, which is neutral and polar, with proline, which is neutral and non-polar, at codon 652 of the C3 protein (p.Gln652Pro). This variant is present in population databases (rs748054406, gnomAD 0.1%). This variant has not been reported in the literature in individuals affected with C3-related conditions. ClinVar contains an entry for this variant (Variation ID: 2200865). Invitae Evidence Modeling of protein sequence and biophysical properties (such as structural, functional, and spatial information, amino acid conservation, physicochemical variation, residue mobility, and thermodynamic stability) indicates that this missense variant is not expected to disrupt C3 protein function with a negative predictive value of 80%. In summary, the available evidence is currently insufficient to determine the role of this variant in disease. Therefore, it has been classified as a Variant of Uncertain Significance.

Ambry Genetics
Classification: Uncertain significance for Inborn genetic diseases. Last evaluated: 2024-03-26. Review status: criteria provided, single submitter. Criteria: Ambry Variant Classification Scheme 2023. Collection method: clinical testing. Allele origin: germline.

Mayo Clinic Laboratories, Mayo Clinic
Classification: Uncertain significance. Last evaluated: 2022-11-16. Review status: criteria provided, single submitter. Criteria: ACMG Guidelines, 2015. Collection method: clinical testing. Allele origin: germline. Observed: 1 variant allele.
Comment: BP4